The following is an entry in ClinVar:

NC_000023.11:g.(?_67686010)_(67686126_?)del

Gene: AR (androgen receptor; plus strand). Cytogenetic location: Xq12.
Variant type: Deletion.
Identifiers: ClinVar variation 464783 (VCV000464783.1).

ClinVar aggregate classification (germline): Pathogenic (1 of 4 stars; one submission).

Conditions:
Androgen resistance syndrome (AIS). Also called: ANDROGEN RECEPTOR DEFICIENCY; DIHYDROTESTOSTERONE RECEPTOR DEFICIENCY; Androgen insensitivity syndrome; TESTICULAR FEMINIZATION SYNDROME; Androgen insensitivity; Androgen insensitivity syndrome due to coactivator deficiency. Identifiers: Orphanet 754, Orphanet 99429, MedGen C0039585, MONDO:0019154, OMIM 300068. Disease mechanism: loss of function.
Kennedy disease (SMAX1). Also called: SPINAL AND BULBAR MUSCULAR ATROPHY, X-LINKED 1; Spinal and Bulbar Muscular Atrophy; KENNEDY SPINAL AND BULBAR MUSCULAR ATROPHY. Identifiers: Orphanet 481, MedGen C1839259, MONDO:0010735, OMIM 313200.

Submission:

Labcorp Genetics (formerly Invitae), Labcorp
Classification: Pathogenic for Kennedy disease; Androgen resistance syndrome. Last evaluated: 2016-05-20. Review status: criteria provided, single submitter. Criteria: Invitae Variant Classification Sherloc (09022015). Collection method: clinical testing. Allele origin: germline.
Comment: This variant is a gross deletion of the genomic region encompassing exon 3 of the AR gene. This leads to an in-frame deletion, preserving the integrity of the reading frame. Deletions encompassing exon 3 of the AR gene have been reported in individuals affected with androgen insensitivity syndrome (PMID: 9007482,Â¬â€ 1508223). This variant is also known as exon C deletion in the literature. This deletion includes the second zinc finger of the DNA-binding domain of AR that has been shown to be involved in DNA binding specificity and receptor dimerization (PMID: 10417312, 1993683). For these reasons, this variant has been classified as Pathogenic.